The following is an entry in ClinVar:

ClinVar aggregate classification (germline): Likely benign (1 of 4 stars; one submission).

Allele frequency attached by ClinVar (database versions not stated): gnomAD 0.00011; TOPMed 0.00015; ExAC 0.00016; 1000 Genomes Project 0.00060; 1000 Genomes Project 30x 0.00062.
gnomAD v4.1: 291 of 1,608,818 alleles (0.018%); highest among the groups gnomAD compares: Admixed American, 0.028%; 1 homozygote.

Submission:

CeGaT Center for Human Genetics Tuebingen
Classification: Likely benign. Last evaluated: 2022-03-01. Review status: criteria provided, single submitter. Criteria: CeGaT Center For Human Genetics Tuebingen Variant Classification Criteria Version 2. Collection method: clinical testing. Allele origin: germline. Affected: yes. Observed: 1 variant allele.
Comment: CATSPERB: BP4, BP7

NM_024764.4(CATSPERB):c.2715C>T (p.Thr905=)

Gene: CATSPERB (catsper channel auxiliary subunit beta; minus strand). Cytogenetic location: 14q32.12.
Variant type: single nucleotide variant.
Coding change: c.2715C>T on transcript NM_024764.4 (MANE Select); coding-DNA position 2715, C replaced by T.
Protein change: p.Thr905=; no amino-acid change (threonine 905 retained).
Molecular consequence: synonymous variant.
Genome position (GRCh38, 1-based): chr14:91,591,997, G>A on the plus strand (C>T on the coding strand, the complement: CATSPERB is on the minus strand). VCF-style: chr14-91591997-G-A. GRCh37 (hg19) VCF-style: chr14-92058341-G-A.
Identifiers: ClinVar variation 2644459 (VCV002644459.24), dbSNP rs45469393, ClinGen allele CA7311322.